The following is an entry in ClinVar:

ClinVar aggregate classification (germline): Likely pathogenic (1 of 4 stars; one submission).

Conditions:
Glycogen storage disease, type V (GSD5). Also called: McArdle type glycogen storage disease; MCARDLE DISEASE; MUSCLE GLYCOGEN PHOSPHORYLASE DEFICIENCY; MYOPHOSPHORYLASE DEFICIENCY; PYGM DEFICIENCY. Identifiers: Orphanet 368, MedGen C0017924, MONDO:0009293, OMIM 232600.

Submission:

Labcorp Genetics (formerly Invitae), Labcorp
Classification: Likely pathogenic for Glycogen storage disease, type V. Last evaluated: 2024-04-30. Review status: criteria provided, single submitter. Criteria: Invitae Variant Classification Sherloc (09022015). Collection method: clinical testing. Allele origin: germline.
Comment: This sequence change replaces tryptophan, which is neutral and slightly polar, with glycine, which is neutral and non-polar, at codon 798 of the PYGM protein (p.Trp798Gly). This variant is not present in population databases (gnomAD no frequency). This variant has not been reported in the literature in individuals affected with PYGM-related conditions. Advanced modeling of protein sequence and biophysical properties (such as structural, functional, and spatial information, amino acid conservation, physicochemical variation, residue mobility, and thermodynamic stability) performed at Invitae indicates that this missense variant is expected to disrupt PYGM protein function with a positive predictive value of 95%. This variant disrupts the p.Trp798 amino acid residue in PYGM. Other variant(s) that disrupt this residue have been determined to be pathogenic (PMID: 10590419, 10681080, 17994553, 22250184, 30415384). This suggests that this residue is clinically significant, and that variants that disrupt this residue are likely to be disease-causing. In summary, the currently available evidence indicates that the variant is pathogenic, but additional data are needed to prove that conclusively. Therefore, this variant has been classified as Likely Pathogenic.

Literature cited by the submitters: PubMed 10590419; PubMed 10681080; PubMed 17994553; PubMed 22250184; PubMed 30415384.

NM_005609.4(PYGM):c.2392T>G (p.Trp798Gly)

Gene: PYGM (glycogen phosphorylase, muscle associated; minus strand). Cytogenetic location: 11q13.1.
Variant type: single nucleotide variant.
Coding change: c.2392T>G on transcript NM_005609.4 (MANE Select); coding-DNA position 2392, T replaced by G.
Protein change: p.Trp798Gly; replaces tryptophan 798 with glycine.
Molecular consequence: missense variant.
Genome position (GRCh38, 1-based): chr11:64,746,796, A>C on the plus strand (T>G on the coding strand, the complement: PYGM is on the minus strand). VCF-style: chr11-64746796-A-C. GRCh37 (hg19) VCF-style: chr11-64514268-A-C.
Other names: c.2128T>G, p.Trp710Gly (NM_001164716.1); short protein forms W710G, W798G.
Identifiers: ClinVar variation 3628087 (VCV003628087.2).